The following is an entry in ClinVar:

NM_144670.6(A2ML1):c.3443G>A (p.Gly1148Glu)

Gene: A2ML1 (alpha-2-macroglobulin like 1; plus strand). Cytogenetic location: 12p13.31.
Variant type: single nucleotide variant.
Coding change: c.3443G>A on transcript NM_144670.6 (MANE Select); coding-DNA position 3443, G replaced by A.
Protein change: p.Gly1148Glu; replaces glycine 1148 with glutamic acid.
Molecular consequence: missense variant.
Genome position (GRCh38, 1-based): chr12:8,861,238, G>A. VCF-style: chr12-8861238-G-A. GRCh37 (hg19) VCF-style: chr12-9013834-G-A.
Other names: c.1970G>A, p.Gly657Glu (NM_001282424.3); short protein forms G1148E, G657E.
Identifiers: ClinVar variation 3229203 (VCV003229203.1), dbSNP rs367997380, ClinGen allele CA6436383.

ClinVar aggregate classification (germline): Uncertain significance (1 of 4 stars; one submission).

Allele frequency attached by ClinVar (database versions not stated): ExAC 0.00001; TOPMed 0.00001; ESP Exome Variant Server 0.00008.
gnomAD v4.1: 1 of 1,614,038 alleles (0.000062%); highest among the groups gnomAD compares: African/African-American, 0.0013%; no homozygotes.

Submission:

Ambry Genetics
Classification: Uncertain significance. Last evaluated: 2023-10-02. Review status: criteria provided, single submitter. Criteria: Ambry Variant Classification Scheme 2023. Collection method: clinical testing. Allele origin: germline.
Comment: The p.G1148E variant (also known as c.3443G>A), located in coding exon 28 of the A2ML1 gene, results from a G to A substitution at nucleotide position 3443. The glycine at codon 1148 is replaced by glutamic acid, an amino acid with similar properties. This amino acid position is conserved. In addition, this alteration is predicted to be tolerated by in silico analysis. Since supporting evidence is limited at this time, the clinical significance of this alteration remains unclear.